The following is an entry in ClinVar:

ClinVar aggregate classification (germline): Likely benign. Review status: criteria provided, single submitter (1 of 4 stars). 2 submissions from 2 submitters: Likely benign (1). 1 of the submissions does not count toward it. Last evaluated 2024-11-11.

Conditions:
ITPR3-related disorder. Also called: ITPR3-related condition.

Allele frequency attached by ClinVar (database versions not stated): TOPMed 0.00010; gnomAD 0.00017; gnomAD exomes 0.00033; ExAC 0.00063; 1000 Genomes Project 30x 0.00078; 1000 Genomes Project 0.00080.
gnomAD v4.1: 512 of 1,611,096 alleles (0.032%); highest among the groups gnomAD compares: South Asian, 0.39%; 5 homozygotes.

Submissions (2):

Blueprint Genetics
Classification: Likely benign. Last evaluated: 2024-11-11. Review status: criteria provided, single submitter. Criteria: ACMG Guidelines, 2015. Collection method: clinical testing. Allele origin: germline.

PreventionGenetics, part of Exact Sciences
Classification: Likely benign for ITPR3-related condition. Last evaluated: 2019-12-06. Review status: no assertion criteria provided. Collection method: clinical testing. Allele origin: germline. Not counted in ClinVar's aggregate classification.
Comment: This variant is classified as likely benign based on ACMG/AMP sequence variant interpretation guidelines (Richards et al. 2015 PMID: 25741868, with internal and published modifications).

NM_002224.4(ITPR3):c.6837G>A (p.Gly2279=)

Gene: ITPR3 (inositol 1,4,5-trisphosphate receptor type 3; plus strand). Cytogenetic location: 6p21.31.
Variant type: single nucleotide variant.
Coding change: c.6837G>A on transcript NM_002224.4 (MANE Select); coding-DNA position 6837, G replaced by A.
Protein change: p.Gly2279=; no amino-acid change (glycine 2279 retained).
Molecular consequence: synonymous variant.
Genome position (GRCh38, 1-based): chr6:33,689,380, G>A. VCF-style: chr6-33689380-G-A. GRCh37 (hg19) VCF-style: chr6-33657157-G-A.
Identifiers: ClinVar variation 3049163 (VCV003049163.3), dbSNP rs200529026, ClinGen allele CA3762022.